The following is an entry in ClinVar:

NM_017780.4(CHD7):c.4420G>A (p.Asp1474Asn)

Gene: CHD7 (chromodomain helicase DNA binding protein 7; plus strand). Cytogenetic location: 8q12.2.
Variant type: single nucleotide variant.
Coding change: c.4420G>A on transcript NM_017780.4 (MANE Select); coding-DNA position 4420, G replaced by A.
Protein change: p.Asp1474Asn; replaces aspartic acid 1474 with asparagine.
Molecular consequence: missense variant. On other transcripts: intron variant (1).
Genome position (GRCh38, 1-based): chr8:60,838,142, G>A. VCF-style: chr8-60838142-G-A. GRCh37 (hg19) VCF-style: chr8-61750701-G-A.
Other names: c.1717-24087G>A (NM_001316690.1); short protein forms D1474N.
Identifiers: ClinVar variation 3027096 (VCV003027096.23), dbSNP rs2487915006, ClinGen allele CA371318183.

ClinVar aggregate classification (germline): Uncertain significance. Review status: criteria provided, multiple submitters, no conflicts (2 of 4 stars). 2 submissions from 2 submitters: Uncertain significance (2). Last evaluated 2025-02-01.

Conditions:
Hypogonadotropic hypogonadism 5 with or without anosmia (KAL5). Also called: HYPOGONADOTROPIC HYPOGONADISM 5 WITH ANOSMIA; HYPOGONADOTROPHIC HYPOGONADISM 5 WITHOUT ANOSMIA; CHD7-Related GnRH Deficiency (Kallmann Syndrome 5). Identifiers: Orphanet 478, MedGen C3552553, MONDO:0012880, OMIM 612370. Disease mechanism: loss of function.
CHARGE syndrome (CHARGE). Also called: Hittner Hirsch Kreh syndrome; CHARGE ASSOCIATION--COLOBOMA, HEART ANOMALY, CHOANAL ATRESIA, RETARDATION, GENITAL AND EAR ANOMALIES; Coloboma, heart anomaly, choanal atresia, retardation, genital and ear anomalies; CHARGE association; Hall-Hittner syndrome. Identifiers: Orphanet 138, MedGen C0265354, MONDO:0008965.

Allele frequency attached by ClinVar (database versions not stated): gnomAD exomes below 0.00001.
gnomAD v4.1: 1 of 1,564,280 alleles (0.000064%); highest among the groups gnomAD compares: Non-Finnish European, 0.000087%; no homozygotes.

Submissions (2):

CeGaT Center for Human Genetics Tuebingen
Classification: Uncertain significance. Last evaluated: 2025-02-01. Review status: criteria provided, single submitter. Criteria: CeGaT Center For Human Genetics Tuebingen Variant Classification Criteria Version 2. Collection method: clinical testing. Allele origin: germline. Affected: yes. Observed: 3 variant alleles.
Comment: CHD7: PM2, PP3, BP5

Fulgent Genetics
Classification: Uncertain significance for CHD7-related CHARGE syndrome; Hypogonadotropic hypogonadism 5 with or without anosmia. Last evaluated: 2024-05-18. Review status: criteria provided, single submitter. Criteria: ACMG Guidelines, 2015. Collection method: clinical testing. Allele origin: germline.